The following is an entry in ClinVar:

ClinVar aggregate classification (germline): Uncertain significance. Review status: criteria provided, multiple submitters, no conflicts (2 of 4 stars). 3 submissions from 3 submitters: Uncertain significance (3). Last evaluated 2025-12-30.

Conditions:
Lethal congenital glycogen storage disease of heart. Also called: PHOSPHORYLASE KINASE DEFICIENCY OF HEART; GLYCOGEN STORAGE DISEASE OF HEART. Identifiers: Orphanet 439854, MedGen C1849813, MONDO:0009867, OMIM 261740.
Hypertrophic cardiomyopathy. Also called: HYPERTROPHIC MYOCARDIOPATHY. Identifiers: Orphanet 217569, MedGen C0007194, MeSH D002312, MONDO:0005045, HP:0001639.
Cardiovascular phenotype. Identifiers: MedGen CN230736.

Allele frequency attached by ClinVar (database versions not stated): ExAC 0.00001; gnomAD 0.00001; TOPMed 0.00001.
gnomAD v4.1: 3 of 1,607,826 alleles (0.00019%); highest among the groups gnomAD compares: South Asian, 0.0011%; no homozygotes.

Submissions (3):

Ambry Genetics
Classification: Uncertain significance for Cardiovascular phenotype. Last evaluated: 2025-12-30. Review status: criteria provided, single submitter. Criteria: Ambry Variant Classification Scheme 2023. Collection method: clinical testing. Allele origin: germline.
Comment: The p.R31G variant (also known as c.91C>G), located in coding exon 1 of the PRKAG2 gene, results from a C to G substitution at nucleotide position 91. The arginine at codon 31 is replaced by glycine, an amino acid with dissimilar properties. This amino acid position is conserved. In addition, the in silico prediction for this alteration is inconclusive. Based on the available evidence, the clinical significance of this variant remains unclear.

All of Us Research Program, National Institutes of Health
Classification: Uncertain significance for Hypertrophic cardiomyopathy. Last evaluated: 2023-12-13. Review status: criteria provided, single submitter. Criteria: ACMG Guidelines, 2015. Collection method: clinical testing. Allele origin: germline. Inheritance: Autosomal dominant inheritance. Observed: 3 variant alleles, 3 heterozygotes.
Comment: This missense variant replaces arginine with glycine at codon 31 of the PRKAG2 protein. Computational prediction is inconclusive regarding the impact of this variant on protein structure and function (internally defined REVEL score threshold 0.5 < inconclusive < 0.7, PMID: 27666373). To our knowledge, functional studies have not been reported for this variant. This variant has not been reported in individuals affected with PRKAG2-related disorders in the literature. This variant has been identified in 1/246310 chromosomes in the general population by the Genome Aggregation Database (gnomAD). The available evidence is insufficient to determine the role of this variant in disease conclusively. Therefore, this variant is classified as a Variant of Uncertain Significance.

This study involves interpretation of variants in research participants for the purpose of population health screening. Participant phenotype was not available at the time of variant classification. Additional details can be found in publication PMID: 35346344, PMCID: PMC8962531

Labcorp Genetics (formerly Invitae), Labcorp
Classification: Uncertain significance for Lethal congenital glycogen storage disease of heart. Last evaluated: 2023-07-17. Review status: criteria provided, single submitter. Criteria: Invitae Variant Classification Sherloc (09022015). Collection method: clinical testing. Allele origin: germline.
Comment: This sequence change replaces arginine, which is basic and polar, with glycine, which is neutral and non-polar, at codon 31 of the PRKAG2 protein (p.Arg31Gly). This variant is present in population databases (rs751957422, gnomAD 0.0009%). This variant has not been reported in the literature in individuals affected with PRKAG2-related conditions. ClinVar contains an entry for this variant (Variation ID: 2056343). Advanced modeling of protein sequence and biophysical properties (such as structural, functional, and spatial information, amino acid conservation, physicochemical variation, residue mobility, and thermodynamic stability) performed at Invitae indicates that this missense variant is not expected to disrupt PRKAG2 protein function. In summary, the available evidence is currently insufficient to determine the role of this variant in disease. Therefore, it has been classified as a Variant of Uncertain Significance.

NM_016203.4(PRKAG2):c.91C>G (p.Arg31Gly)

Gene: PRKAG2 (protein kinase AMP-activated non-catalytic subunit gamma 2; minus strand). Cytogenetic location: 7q36.1.
Variant type: single nucleotide variant.
Coding change: c.91C>G on transcript NM_016203.4 (MANE Select); coding-DNA position 91, C replaced by G.
Protein change: p.Arg31Gly; replaces arginine 31 with glycine.
Molecular consequence: missense variant.
Genome position (GRCh38, 1-based): chr7:151,876,530, G>C on the plus strand (C>G on the coding strand, the complement: PRKAG2 is on the minus strand). VCF-style: chr7-151876530-G-C. GRCh37 (hg19) VCF-style: chr7-151573615-G-C.
Other names: c.91C>G, p.Arg31Gly (NM_001407021.1, NM_001407022.1, NM_001407023.1 and 2 more transcripts); c.91C>G (NM_016203.3); short protein forms R31G.
Identifiers: ClinVar variation 2056343 (VCV002056343.4), dbSNP rs751957422, ClinGen allele CA058729.